The following is an entry in ClinVar:

NM_007347.5(AP4E1):c.2932C>T (p.Pro978Ser)

Gene: AP4E1 (adaptor related protein complex 4 subunit epsilon 1; plus strand). Cytogenetic location: 15q21.2.
Variant type: single nucleotide variant.
Coding change: c.2932C>T on transcript NM_007347.5 (MANE Select); coding-DNA position 2932, C replaced by T.
Protein change: p.Pro978Ser; replaces proline 978 with serine.
Molecular consequence: missense variant.
Genome position (GRCh38, 1-based): chr15:50,999,099, C>T. VCF-style: chr15-50999099-C-T. GRCh37 (hg19) VCF-style: chr15-51291296-C-T.
Other names: c.2707C>T, p.Pro903Ser (NM_001252127.2); short protein forms P978S, P903S.
Identifiers: ClinVar variation 434236 (VCV000434236.41), dbSNP rs141278078, ClinGen allele CA7559412.

ClinVar aggregate classification (germline): Conflicting classifications of pathogenicity. Review status: criteria provided, conflicting classifications (1 of 4 stars). 6 submissions from 6 submitters: Uncertain significance (1); Benign (1); Likely benign (3). 1 of the submissions does not count toward it. Last evaluated 2026-01-12.

Conditions:
Inborn genetic diseases. Identifiers: MedGen C0950123, MeSH D030342.
Spastic paraplegia. Identifiers: MedGen C0037772, HP:0001258.
AP4E1-related disorder. Also called: AP4E1-related condition.

Allele frequency attached by ClinVar (database versions not stated): ESP Exome Variant Server 0.00046; ExAC 0.00048; gnomAD exomes 0.00051; gnomAD 0.00018 and 0.00034; TOPMed 0.00027; 1000 Genomes Project 30x 0.00031; 1000 Genomes Project 0.00040.
gnomAD v4.1: 624 of 1,613,920 alleles (0.039%); highest among the groups gnomAD compares: South Asian, 0.24%; 3 homozygotes.

Submissions (6):

Labcorp Genetics (formerly Invitae), Labcorp
Classification: Benign for Spastic paraplegia. Last evaluated: 2026-01-12. Review status: criteria provided, single submitter. Criteria: Invitae Variant Classification Sherloc (09022015). Collection method: clinical testing. Allele origin: germline.

CeGaT Center for Human Genetics Tuebingen
Classification: Likely benign. Last evaluated: 2024-09-01. Review status: criteria provided, single submitter. Criteria: CeGaT Center For Human Genetics Tuebingen Variant Classification Criteria Version 2. Collection method: clinical testing. Allele origin: germline. Affected: yes. Observed: 4 variant alleles.
Comment: AP4E1: BP4, BS1

Ambry Genetics
Classification: Likely benign for Inborn genetic diseases. Last evaluated: 2021-12-19. Review status: criteria provided, single submitter. Criteria: Ambry Variant Classification Scheme 2023. Collection method: clinical testing. Allele origin: germline.

GeneDx
Classification: Likely benign. Last evaluated: 2017-11-09. Review status: criteria provided, single submitter. Criteria: GeneDx Variant Classification (06012015). Collection method: clinical testing. Allele origin: germline. Affected: yes.
Comment: This variant is considered likely benign or benign based on one or more of the following criteria: it is a conservative change, it occurs at a poorly conserved position in the protein, it is predicted to be benign by multiple in silico algorithms, and/or has population frequency not consistent with disease.

Genetic Services Laboratory, University of Chicago
Classification: Uncertain significance. Last evaluated: 2017-01-10. Review status: criteria provided, single submitter. Criteria: ACMG Guidelines, 2015. Collection method: clinical testing. Allele origin: germline. Affected: no.

PreventionGenetics, part of Exact Sciences
Classification: Likely benign for AP4E1-related condition. Last evaluated: 2023-03-21. Review status: no assertion criteria provided. Collection method: clinical testing. Allele origin: germline. Not counted in ClinVar's aggregate classification.
Comment: This variant is classified as likely benign based on ACMG/AMP sequence variant interpretation guidelines (Richards et al. 2015 PMID: 25741868, with internal and published modifications).